The following is an entry in ClinVar:

NM_000642.3(AGL):c.2671C>T (p.Pro891Ser)

Gene: AGL (amylo-alpha-1,6-glucosidase and 4-alpha-glucanotransferase; plus strand). Cytogenetic location: 1p21.2.
Variant type: single nucleotide variant.
Coding change: c.2671C>T on transcript NM_000642.3 (MANE Select); coding-DNA position 2671, C replaced by T.
Protein change: p.Pro891Ser; replaces proline 891 with serine.
Molecular consequence: missense variant.
Genome position (GRCh38, 1-based): chr1:99,884,693, C>T. VCF-style: chr1-99884693-C-T. GRCh37 (hg19) VCF-style: chr1-100350249-C-T.
Other names: c.2671C>T, p.Pro891Ser (NM_000028.3, NM_000643.3, NM_000644.3 and 2 more transcripts); c.2623C>T, p.Pro875Ser (NM_000646.3); c.2470C>T, p.Pro824Ser (NM_001425327.1); c.2467C>T, p.Pro823Ser (NM_001425328.1); c.2293C>T, p.Pro765Ser (NM_001425332.1); short protein forms P891S, P875S, P765S, P823S, P824S.
Identifiers: ClinVar variation 566590 (VCV000566590.10), dbSNP rs777738895, ClinGen allele CA341322125.

ClinVar aggregate classification (germline): Uncertain significance. Review status: criteria provided, single submitter (1 of 4 stars). 2 submissions from 2 submitters: Uncertain significance (1). 1 of the submissions does not count toward it. Last evaluated 2022-09-13.

Conditions:
Glycogen storage disease type III (GSD3). Also called: FORBES DISEASE; Cori disease. Identifiers: Orphanet 366, MedGen C0017922, MONDO:0009291, OMIM 232400.

gnomAD v4.1: 20 of 1,613,838 alleles (0.0012%); highest among the groups gnomAD compares: Non-Finnish European, 0.0016%; no homozygotes.

Submissions (2):

Labcorp Genetics (formerly Invitae), Labcorp
Classification: Uncertain significance for Glycogen storage disease type III. Last evaluated: 2022-09-13. Review status: criteria provided, single submitter. Criteria: Invitae Variant Classification Sherloc (09022015). Collection method: clinical testing. Allele origin: germline.
Comment: This sequence change replaces proline, which is neutral and non-polar, with serine, which is neutral and polar, at codon 891 of the AGL protein (p.Pro891Ser). This variant is present in population databases (no rsID available, gnomAD 0.003%). This variant has not been reported in the literature in individuals affected with AGL-related conditions. ClinVar contains an entry for this variant (Variation ID: 566590). Advanced modeling of protein sequence and biophysical properties (such as structural, functional, and spatial information, amino acid conservation, physicochemical variation, residue mobility, and thermodynamic stability) performed at Invitae indicates that this missense variant is not expected to disrupt AGL protein function. In summary, the available evidence is currently insufficient to determine the role of this variant in disease. Therefore, it has been classified as a Variant of Uncertain Significance.

Natera, Inc.
Classification: Uncertain significance for Glycogen storage disease type III. Last evaluated: 2019-10-28. Review status: no assertion criteria provided. Collection method: clinical testing. Allele origin: germline. Not counted in ClinVar's aggregate classification.